The following is an entry in ClinVar:

NM_001267550.2(TTN):c.18847A>G (p.Ser6283Gly)

Genes: TTN (titin; minus strand), LOC126806430 (BRD4-independent group 4 enhancer GRCh37_chr2:179593794-179594993; plus strand). Cytogenetic location: 2q31.2.
Variant type: single nucleotide variant.
Coding change: c.18847A>G on transcript NM_001267550.2 (MANE Select); coding-DNA position 18847, A replaced by G.
Protein change: p.Ser6283Gly; replaces serine 6283 with glycine.
Molecular consequence: missense variant. On other transcripts: intron variant (3).
Genome position (GRCh38, 1-based): chr2:178,729,309, T>C on the plus strand (A>G on the coding strand, the complement: TTN is on the minus strand). VCF-style: chr2-178729309-T-C. GRCh37 (hg19) VCF-style: chr2-179594036-T-C.
Other names: c.17896A>G, p.Ser5966Gly (NM_001256850.1); c.15115A>G, p.Ser5039Gly (NM_133378.4); c.13282+8773A>G (NM_003319.4); c.13858+8773A>G (NM_133437.4); c.13657+8773A>G (NM_133432.3); short protein forms S5039G, S5966G, S6283G.
Identifiers: ClinVar variation 4689351 (VCV004689351.2).
Genomic context (GRCh38, chr2:178,729,309, plus strand): 5'-AGAATTTTTATTTGATAGGCTGCTTCTTGTATAACTGACCTTTCAGGGCAACTCTAGTAC[T>C]GCATGAGCAGCTGCCGCCTTCATTGGATACAATGCACTGGTATTCCCCAGTGTCTGAAGG-3'
Protein context (NP_001254479.2, residues 6273-6293): VSNEGGSCSC[Ser6283Gly]TRVALKEPPS

ClinVar aggregate classification (germline): Uncertain significance. Review status: criteria provided, multiple submitters, no conflicts (2 of 4 stars). 2 submissions from 2 submitters: Uncertain significance (2). Last evaluated 2026-05-28.

Conditions:
TTN-related disorder. Also called: TTN-related condition; TTN-related disease; TTN-related disorders.

gnomAD v4.1: 12 of 1,611,184 alleles (0.00074%); highest among the groups gnomAD compares: African/African-American, 0.013%; no homozygotes.

Submissions (2):

PreventionGenetics, part of Exact Sciences
Classification: Uncertain significance for TTN-related condition. Last evaluated: 2026-05-28. Review status: criteria provided, single submitter. Criteria: ACMG Guidelines, 2015. Collection method: clinical testing. Allele origin: germline.
Comment: The TTN c.18847A>G variant is predicted to result in the amino acid substitution p.Ser6283Gly. To our knowledge, this variant has not been reported in the literature. This variant is reported in 0.025% of alleles in individuals of African descent in gnomAD. At this time, the clinical significance of this variant is uncertain due to the absence of conclusive functional and genetic evidence.

Women's Health and Genetics/Laboratory Corporation of America, LabCorp
Classification: Uncertain significance. Last evaluated: 2026-01-16. Review status: criteria provided, single submitter. Criteria: LabCorp Variant Classification Summary - May 2015. Collection method: clinical testing. Allele origin: germline.